The following is an entry in ClinVar:

ClinVar aggregate classification (germline): Uncertain significance (1 of 4 stars; one submission).

gnomAD v4.1: 1 of 1,613,590 alleles (0.000062%); no homozygotes.

Submission:

GeneDx
Classification: Uncertain significance. Last evaluated: 2022-04-11. Review status: criteria provided, single submitter. Criteria: GeneDx Variant Classification Process June 2021. Collection method: clinical testing. Allele origin: germline. Affected: yes.
Comment: Not observed at significant frequency in large population cohorts (gnomAD); Missense variant in a gene in which most reported pathogenic variants are truncating/loss of function; Has not been previously published as pathogenic or benign to our knowledge

NM_001267550.2(TTN):c.14199G>T (p.Trp4733Cys)

Gene: TTN (titin; minus strand). Cytogenetic location: 2q31.2.
Variant type: single nucleotide variant.
Coding change: c.14199G>T on transcript NM_001267550.2 (MANE Select); coding-DNA position 14199, G replaced by T.
Protein change: p.Trp4733Cys; replaces tryptophan 4733 with cysteine.
Molecular consequence: missense variant.
Genome position (GRCh38, 1-based): chr2:178,738,254, C>A on the plus strand (G>T on the coding strand, the complement: TTN is on the minus strand). VCF-style: chr2-178738254-C-A. GRCh37 (hg19) VCF-style: chr2-179602981-C-A.
Other names: c.13248G>T, p.Trp4416Cys (NM_001256850.1); c.13110G>T, p.Trp4370Cys (NM_003319.4); c.10467G>T, p.Trp3489Cys (NM_133378.4); c.13485G>T, p.Trp4495Cys (NM_133432.3); c.13686G>T, p.Trp4562Cys (NM_133437.4); short protein forms W3489C, W4370C, W4416C, W4495C, W4562C, W4733C.
Identifiers: ClinVar variation 1710823 (VCV001710823.2), dbSNP rs2081878071, ClinGen allele CA349602638.